The following is an entry in ClinVar:

NM_000208.4(INSR):c.2971C>A (p.Leu991Ile)

Gene: INSR (insulin receptor; minus strand). Cytogenetic location: 19p13.2.
Variant type: single nucleotide variant.
Coding change: c.2971C>A on transcript NM_000208.4 (MANE Select); coding-DNA position 2971, C replaced by A.
Protein change: p.Leu991Ile; replaces leucine 991 with isoleucine.
Molecular consequence: missense variant.
Genome position (GRCh38, 1-based): chr19:7,126,626, G>T on the plus strand (C>A on the coding strand, the complement: INSR is on the minus strand). VCF-style: chr19-7126626-G-T. GRCh37 (hg19) VCF-style: chr19-7126637-G-T.
Other names: c.2935C>A, p.Leu979Ile (NM_001079817.3); short protein forms L991I, L979I.
Identifiers: ClinVar variation 211196 (VCV000211196.20), dbSNP rs150114699, ClinGen allele CA205293.

ClinVar aggregate classification (germline): Benign/Likely benign. Review status: criteria provided, multiple submitters, no conflicts (2 of 4 stars). 7 submissions from 7 submitters: Benign (2); Likely benign (4). 1 of the submissions does not count toward it. Last evaluated 2025-11-13.

Conditions:
INSR-related disorder.
Monogenic diabetes. Identifiers: Orphanet 183625, MedGen C3888631, MONDO:0015967.
Hyperinsulinism due to INSR deficiency. Also called: Hyperinsulinism due to glutamodehydrogenase deficiency. Identifiers: Orphanet 263458, MedGen C1864952, MONDO:0012381, OMIM 609968.
Insulin-resistant diabetes mellitus AND acanthosis nigricans. Also called: type A insulin resistance; DIABETES MELLITUS, INSULIN-RESISTANT, WITH ACANTHOSIS NIGRICANS, TYPE A; Insulin-resistance syndrome type A; INSULIN RECEPTOR, DEFECT IN, WITH INSULIN-RESISTANT DIABETES MELLITUS AND ACANTHOSIS NIGRICANS; IRAN, TYPE A. Identifiers: Orphanet 2297, MedGen C0342278, MONDO:0012520, OMIM 610549.

Allele frequency attached by ClinVar (database versions not stated): gnomAD exomes 0.00026 and 0.00048; ExAC 0.00145; ESP Exome Variant Server 0.00223; gnomAD 0.00279 and 0.00307; 1000 Genomes Project 0.00300; 1000 Genomes Project 30x 0.00312; TOPMed 0.00319.
gnomAD v4.1: 810 of 1,565,510 alleles (0.052%); highest among the groups gnomAD compares: African/African-American, 0.95%; no homozygotes.

Submissions (7):

Labcorp Genetics (formerly Invitae), Labcorp
Classification: Benign. Last evaluated: 2025-11-13. Review status: criteria provided, single submitter. Criteria: Invitae Variant Classification Sherloc (09022015). Collection method: clinical testing. Allele origin: germline.

Blueprint Genetics
Classification: Likely benign. Last evaluated: 2024-09-27. Review status: criteria provided, single submitter. Criteria: ACMG Guidelines, 2015. Collection method: clinical testing. Allele origin: germline.

Genetics and Molecular Pathology, SA Pathology
Classification: Likely benign for Hyperinsulinism due to INSR deficiency. Last evaluated: 2021-09-01. Review status: criteria provided, single submitter. Criteria: ACMG Guidelines, 2015. Collection method: clinical testing. Allele origin: germline. Inheritance: Autosomal dominant inheritance. Affected: yes.

Mendelics
Classification: Likely benign for Insulin-resistant diabetes mellitus AND acanthosis nigricans. Last evaluated: 2019-05-28. Review status: criteria provided, single submitter. Criteria: Mendelics Assertion Criteria 2017. Collection method: clinical testing. Allele origin: unknown.

Genetic Services Laboratory, University of Chicago
Classification: Likely benign. Last evaluated: 2018-12-31. Review status: criteria provided, single submitter. Criteria: ACMG Guidelines, 2015. Collection method: clinical testing. Allele origin: germline. Affected: no.

Personalized Diabetes Medicine Program, University of Maryland School of Medicine
Classification: Benign for Monogenic diabetes. Last evaluated: 2018-03-16. Review status: criteria provided, single submitter. Criteria: ACMG Guidelines, 2015. Collection method: research. Allele origin: unknown. Observed: 3 variant alleles, 3 heterozygotes.
Comment: ACMG criteria: PP3 (4 predictors), BP4 (6 predictors), BS2 (12 controls and 12 cases from T2DM), BS1 (1% MAF in 1000g and ExAC African, but disease frequency of AD form is 1 in 100,000) NOTE: called VUS by Chicago=benign

PreventionGenetics, part of Exact Sciences
Classification: Likely benign for INSR-related condition. Last evaluated: 2022-03-18. Review status: no assertion criteria provided. Collection method: clinical testing. Allele origin: germline. Not counted in ClinVar's aggregate classification.
Comment: This variant is classified as likely benign based on ACMG/AMP sequence variant interpretation guidelines (Richards et al. 2015 PMID: 25741868, with internal and published modifications).